The following is an entry in ClinVar:

NM_001605.3(AARS1):c.2803G>C (p.Asp935His)

Gene: AARS1 (alanyl-tRNA synthetase 1; minus strand). Cytogenetic location: 16q22.1.
Variant type: single nucleotide variant.
Coding change: c.2803G>C on transcript NM_001605.3 (MANE Select); coding-DNA position 2803, G replaced by C.
Protein change: p.Asp935His; replaces aspartic acid 935 with histidine.
Molecular consequence: missense variant.
Genome position (GRCh38, 1-based): chr16:70,252,825, C>G on the plus strand (G>C on the coding strand, the complement: AARS1 is on the minus strand). VCF-style: chr16-70252825-C-G. GRCh37 (hg19) VCF-style: chr16-70286728-C-G.
Other names: short protein forms D935H.
Identifiers: ClinVar variation 4766876 (VCV004766876.1).

ClinVar aggregate classification (germline): Uncertain significance (1 of 4 stars; one submission).

Conditions:
Charcot-Marie-Tooth disease type 2. Also called: Charcot-Marie-Tooth type 2. Identifiers: Orphanet 64746, MedGen C0270914, MONDO:0018993.

gnomAD v4.1: 2 of 1,614,124 alleles (0.00012%); highest among the groups gnomAD compares: Admixed American, 0.0033%; no homozygotes.

Submission:

Labcorp Genetics (formerly Invitae), Labcorp
Classification: Uncertain significance for Charcot-Marie-Tooth disease type 2. Last evaluated: 2025-04-07. Review status: criteria provided, single submitter. Criteria: Invitae Variant Classification Sherloc (09022015). Collection method: clinical testing. Allele origin: germline.
Comment: This sequence change replaces aspartic acid, which is acidic and polar, with histidine, which is basic and polar, at codon 935 of the AARS protein (p.Asp935His). This variant is present in population databases (no rsID available, gnomAD 0.003%). This variant has not been reported in the literature in individuals affected with AARS-related conditions. Invitae Evidence Modeling of protein sequence and biophysical properties (such as structural, functional, and spatial information, amino acid conservation, physicochemical variation, residue mobility, and thermodynamic stability) indicates that this missense variant is not expected to disrupt AARS protein function with a negative predictive value of 95%. In summary, the available evidence is currently insufficient to determine the role of this variant in disease. Therefore, it has been classified as a Variant of Uncertain Significance.